The following is an entry in ClinVar:

ClinVar aggregate classification (germline): Uncertain significance (1 of 4 stars; one submission).

Allele frequency attached by ClinVar (database versions not stated): gnomAD exomes below 0.00001.
gnomAD v4.1: 1 of 1,611,132 alleles (0.000062%); highest among the groups gnomAD compares: Non-Finnish European, 0.000085%; no homozygotes.

Submission:

Labcorp Genetics (formerly Invitae), Labcorp
Classification: Uncertain significance. Last evaluated: 2022-03-01. Review status: criteria provided, single submitter. Criteria: Invitae Variant Classification Sherloc (09022015). Collection method: clinical testing. Allele origin: germline.
Comment: Algorithms developed to predict the effect of missense changes on protein structure and function output the following: SIFT: "Tolerated"; PolyPhen-2: "Benign"; Align-GVGD: "Class C0". The alanine amino acid residue is found in multiple mammalian species, which suggests that this missense change does not adversely affect protein function. This variant has not been reported in the literature in individuals affected with ASPM-related conditions. This variant is not present in population databases (gnomAD no frequency). This sequence change replaces serine, which is neutral and polar, with alanine, which is neutral and non-polar, at codon 1513 of the ASPM protein (p.Ser1513Ala). In summary, the available evidence is currently insufficient to determine the role of this variant in disease. Therefore, it has been classified as a Variant of Uncertain Significance.

NM_018136.5(ASPM):c.4537T>G (p.Ser1513Ala)

Gene: ASPM (assembly factor for spindle microtubules; minus strand). Cytogenetic location: 1q31.3.
Variant type: single nucleotide variant.
Coding change: c.4537T>G on transcript NM_018136.5 (MANE Select); coding-DNA position 4537, T replaced by G.
Protein change: p.Ser1513Ala; replaces serine 1513 with alanine.
Molecular consequence: missense variant. On other transcripts: intron variant (1).
Genome position (GRCh38, 1-based): chr1:197,104,714, A>C on the plus strand (T>G on the coding strand, the complement: ASPM is on the minus strand). VCF-style: chr1-197104714-A-C. GRCh37 (hg19) VCF-style: chr1-197073844-A-C.
Other names: c.4066-8550T>G (NM_001206846.2); short protein forms S1513A.
Identifiers: ClinVar variation 1922725 (VCV001922725.5), dbSNP rs2527305240, ClinGen allele CA344029902.